The following is an entry in ClinVar:

NM_000135.4(FANCA):c.1838_1839insA (p.Ser616fs)

Gene: FANCA (FA complementation group A; minus strand). Cytogenetic location: 16q24.3.
Variant type: Insertion.
Coding change: c.1838_1839insA on transcript NM_000135.4 (MANE Select); coding-DNA positions 1838 to 1839, A inserted.
Protein change: p.Ser616fs; shifts the reading frame from serine 616.
Molecular consequence: frameshift variant.
Genome position: GRCh38 VCF-style: chr16-89775803-G-GT. GRCh37 (hg19) VCF-style: chr16-89842211-G-GT.
Other names: c.1838_1839insA, p.Ser616fs (NM_001286167.3); short protein forms S616fs.
Identifiers: ClinVar variation 5004111 (VCV005004111.1).

ClinVar aggregate classification (germline): Pathogenic (1 of 4 stars; one submission).

Conditions:
Fanconi anemia complementation group A (FANCA). Also called: Fanconi anemia, group A; FANCA-Related Fanconi Anemia. Identifiers: Orphanet 84, MedGen C3469521, MONDO:0009215, OMIM 227650.

Submission:

Myriad Genetics, Inc.
Classification: Pathogenic for Fanconi anemia complementation group A. Last evaluated: 2025-08-07. Review status: criteria provided, single submitter. Criteria: Myriad Autosomal Dominant, Autosomal Recessive and X-Linked Classification Criteria (2023). Collection method: clinical testing. Allele origin: unknown.
Comment: NM_000135.2(FANCA):c.1838_1839insA(S616Ifs*14) is a frameshift variant classified as pathogenic in the context of Fanconi anemia complementation group A. S616Ifs*14 has not been observed in cases with relevant disease. Relevant functional assessments of this variant are not available in the literature. S616Ifs*14 has not been observed in referenced population frequency databases. In summary, NM_000135.2(FANCA):c.1838_1839insA(S616Ifs*14) is a frameshift variant in a gene where loss of function is a known mechanism of disease and is predicted to disrupt protein function. Please note: this variant was assessed in the context of healthy population screening.